The following is an entry in ClinVar:

ClinVar aggregate classification (germline): Likely benign (0 of 4 stars; one submission).

Conditions:
ADCY3-related disorder. Also called: ADCY3-related condition.

gnomAD v4.1: 1 of 1,614,252 alleles (0.000062%); highest among the groups gnomAD compares: Admixed American, 0.0017%; no homozygotes.

Submission:

PreventionGenetics, part of Exact Sciences
Classification: Likely benign for ADCY3-related condition. Last evaluated: 2022-08-02. Review status: no assertion criteria provided. Collection method: clinical testing. Allele origin: germline.
Comment: This variant is classified as likely benign based on ACMG/AMP sequence variant interpretation guidelines (Richards et al. 2015 PMID: 25741868, with internal and published modifications).

NM_004036.5(ADCY3):c.2280G>A (p.Leu760=)

Gene: ADCY3 (adenylate cyclase 3; minus strand). Cytogenetic location: 2p23.3.
Variant type: single nucleotide variant.
Coding change: c.2280G>A on transcript NM_004036.5 (MANE Select); coding-DNA position 2280, G replaced by A.
Protein change: p.Leu760=; no amino-acid change (leucine 760 retained).
Molecular consequence: synonymous variant. On other transcripts: intron variant (2).
Genome position (GRCh38, 1-based): chr2:24,828,054, C>T on the plus strand (G>A on the coding strand, the complement: ADCY3 is on the minus strand). VCF-style: chr2-24828054-C-T. GRCh37 (hg19) VCF-style: chr2-25050923-C-T.
Other names: c.2280G>A, p.Leu760= (NM_001320613.2, NM_001377132.1); c.2346G>A, p.Leu782= (NM_001377128.1); c.1557G>A, p.Leu519= (NM_001377131.1); c.2172+2655G>A (NM_001377130.1); c.2173-31G>A (NM_001377129.1).
Identifiers: ClinVar variation 3354543 (VCV003354543.1).